The following is an entry in ClinVar:

NM_004991.4(MECOM):c.2711C>A (p.Ala904Glu)

Gene: MECOM (MDS1 and EVI1 complex locus; minus strand). Cytogenetic location: 3q26.2.
Variant type: single nucleotide variant.
Coding change: c.2711C>A on transcript NM_004991.4 (MANE Select); coding-DNA position 2711, C replaced by A.
Protein change: p.Ala904Glu; replaces alanine 904 with glutamic acid.
Molecular consequence: missense variant.
Genome position (GRCh38, 1-based): chr3:169,102,120, G>T on the plus strand (C>A on the coding strand, the complement: MECOM is on the minus strand). VCF-style: chr3-169102120-G-T. GRCh37 (hg19) VCF-style: chr3-168819908-G-T.
Other names: c.2342C>A, p.Ala781Glu (NM_001105077.4); c.2147C>A, p.Ala716Glu (NM_001105078.4, NM_001205194.2, NM_001366469.2 and 1 more transcripts); c.2123C>A, p.Ala708Glu (NM_001163999.2, NM_001366470.2); c.2120C>A, p.Ala707Glu (NM_001164000.2, NM_001366471.2, NM_001366472.2); c.2684C>A, p.Ala895Glu (NM_001366466.2); c.2150C>A, p.Ala717Glu (NM_001366467.2, NM_001366468.2); c.1712C>A, p.Ala571Glu (NM_001366473.2); c.1148C>A, p.Ala383Glu (NM_001366474.2); short protein forms A383E, A716E, A895E, A571E, A707E, A717E, A708E, A781E.
Identifiers: ClinVar variation 3394305 (VCV003394305.1).
Genomic context (GRCh38, chr3:169,102,120, plus strand): 5'-CTGCAGGTATAGCGCTCCTTTCCCTTCCGCAGAAGGTTCTCTGGCAGGGCATTGGGAGGC[G>T]CCCTGAAGTTGAACATAGAGGGCACTGACTGTAAGAGCTCACTGGCCTCAGGTTTCAGGG-3'
Protein context (NP_004982.2, residues 894-914): QSVPSMFNFR[Ala904Glu]PPNALPENLL

ClinVar aggregate classification (germline): Uncertain significance (1 of 4 stars; one submission).

Conditions:
Inborn genetic diseases. Identifiers: MedGen C0950123, MeSH D030342.

gnomAD v4.1: 1 of 1,613,744 alleles (0.000062%); highest among the groups gnomAD compares: East Asian, 0.0022%; no homozygotes.

Submission:

Ambry Genetics
Classification: Uncertain significance for Inborn genetic diseases. Last evaluated: 2024-11-24. Review status: criteria provided, single submitter. Criteria: Ambry Variant Classification Scheme 2023. Collection method: clinical testing. Allele origin: germline.
Comment: The p.A904E variant (also known as c.2711C>A), located in coding exon 11 of the MECOM gene, results from a C to A substitution at nucleotide position 2711. The alanine at codon 904 is replaced by glutamic acid, an amino acid with dissimilar properties. This amino acid position is conserved. In addition, this alteration is predicted to be tolerated by in silico analysis. Based on the available evidence, the clinical significance of this variant remains unclear.